The following is an entry in ClinVar:

ClinVar aggregate classification (germline): Uncertain significance. Review status: criteria provided, multiple submitters, no conflicts (2 of 4 stars). 2 submissions from 2 submitters: Uncertain significance (2). Last evaluated 2024-12-30.

Conditions:
SLC26A1-related disorder. Also called: SLC26A1-related condition.
Hypersulfaturia (HYSULF). Identifiers: MedGen C5830511, MONDO:0957268, OMIM 620372.
Nephrolithiasis susceptibility caused by SLC26A1 (CAON1). Also called: NEPHROLITHIASIS, CALCIUM OXALATE, 1. Identifiers: MedGen C5779632, MONDO:0020722, OMIM 167030.

gnomAD v4.1: 83 of 1,605,212 alleles (0.0052%); highest among the groups gnomAD compares: Non-Finnish European, 0.007%; no homozygotes.

Submissions (2):

PreventionGenetics, part of Exact Sciences
Classification: Uncertain significance for SLC26A1-related condition. Last evaluated: 2024-12-30. Review status: criteria provided, single submitter. Criteria: ACMG Guidelines, 2015. Collection method: clinical testing. Allele origin: germline.
Comment: The SLC26A1 c.1826T>C variant is predicted to result in the amino acid substitution p.Phe609Ser. To our knowledge, this variant has not been reported in the literature. This variant is reported in 0.0039% of alleles in individuals of European (Non-Finnish) descent in gnomAD. At this time, the clinical significance of this variant is uncertain due to the absence of conclusive functional and genetic evidence.

Fulgent Genetics
Classification: Uncertain significance for Nephrolithiasis susceptibility caused by SLC26A1; Hypersulfaturia. Last evaluated: 2024-02-11. Review status: criteria provided, single submitter. Criteria: ACMG Guidelines, 2015. Collection method: clinical testing. Allele origin: germline.

NM_022042.4(SLC26A1):c.1826T>C (p.Phe609Ser)

Genes: IDUA (alpha-L-iduronidase; plus strand), SLC26A1 (solute carrier family 26 member 1; minus strand). Cytogenetic location: 4p16.3.
Variant type: single nucleotide variant.
Coding change: c.1826T>C on transcript NM_022042.4 (MANE Select); coding-DNA position 1826, T replaced by C.
Protein change: p.Phe609Ser; replaces phenylalanine 609 with serine.
Molecular consequence: missense variant. On other transcripts: intron variant (2).
Genome position (GRCh38, 1-based): chr4:989,113, A>G on the plus strand (T>C on the coding strand, the complement: SLC26A1 is on the minus strand). VCF-style: chr4-989113-A-G. GRCh37 (hg19) VCF-style: chr4-982901-A-G.
Other names: c.1826T>C, p.Phe609Ser (NM_213613.4); c.576+2015T>C (NM_134425.4); c.299+1164A>G (NM_000203.5); c.1826T>C (NM_022042.3); short protein forms F609S.
Identifiers: ClinVar variation 3591467 (VCV003591467.2).